The following is an entry in ClinVar:

ClinVar aggregate classification (germline): Uncertain significance (1 of 4 stars; one submission).

Conditions:
Emery-Dreifuss muscular dystrophy 4, autosomal dominant (EDMD4). Also called: EMERY-DREIFUSS MUSCULAR DYSTROPHY 4 WITH VARIABLE FEATURES. Identifiers: Orphanet 261, MedGen C2751807, MONDO:0013071, OMIM 612998.
Autosomal recessive ataxia, Beauce type. Also called: Spinocerebellar ataxia, autosomal recessive 8; ATAXIA, RECESSIVE, OF BEAUCE; SYNE1-Related Autosomal Recessive Cerebellar Ataxia; SYNE1 Deficiency. Identifiers: Orphanet 88644, MedGen C1853116, MONDO:0012549, OMIM 610743.

Submission:

Labcorp Genetics (formerly Invitae), Labcorp
Classification: Uncertain significance for Emery-Dreifuss muscular dystrophy 4, autosomal dominant; Autosomal recessive ataxia, Beauce type. Last evaluated: 2022-09-06. Review status: criteria provided, single submitter. Criteria: Invitae Variant Classification Sherloc (09022015). Collection method: clinical testing. Allele origin: germline.
Comment: This sequence change replaces threonine, which is neutral and polar, with alanine, which is neutral and non-polar, at codon 1593 of the SYNE1 protein (p.Thr1593Ala). This variant is not present in population databases (gnomAD no frequency). This variant has not been reported in the literature in individuals affected with SYNE1-related conditions. ClinVar contains an entry for this variant (Variation ID: 846412). In summary, the available evidence is currently insufficient to determine the role of this variant in disease. Therefore, it has been classified as a Variant of Uncertain Significance. Algorithms developed to predict the effect of missense changes on protein structure and function output the following: SIFT: "Tolerated"; PolyPhen-2: "Benign"; Align-GVGD: "Class C0". The alanine amino acid residue is found in multiple mammalian species, which suggests that this missense change does not adversely affect protein function.

NM_182961.4(SYNE1):c.4756A>G (p.Thr1586Ala)

Gene: SYNE1 (spectrin repeat containing nuclear envelope protein 1; minus strand). Cytogenetic location: 6q25.2.
Variant type: single nucleotide variant.
Coding change: c.4756A>G on transcript NM_182961.4 (MANE Select); coding-DNA position 4756, A replaced by G.
Protein change: p.Thr1586Ala; replaces threonine 1586 with alanine.
Molecular consequence: missense variant.
Genome position (GRCh38, 1-based): chr6:152,430,144, T>C on the plus strand (A>G on the coding strand, the complement: SYNE1 is on the minus strand). VCF-style: chr6-152430144-T-C. GRCh37 (hg19) VCF-style: chr6-152751279-T-C.
Other names: c.4777A>G, p.Thr1593Ala (NM_033071.5); short protein forms T1593A, T1586A.
Identifiers: ClinVar variation 846412 (VCV000846412.8), dbSNP rs749571011, ClinGen allele CA366141382.